The following is an entry in ClinVar:

ClinVar aggregate classification (germline): Conflicting classifications of pathogenicity. Review status: criteria provided, conflicting classifications (1 of 4 stars). 5 submissions from 5 submitters: Uncertain significance (4); Likely benign (1). Last evaluated 2024-03-02.

Conditions:
Hereditary cancer-predisposing syndrome. Also called: Neoplastic Syndromes, Hereditary; Hereditary Cancer Syndrome; Tumor predisposition; Hereditary neoplastic syndrome. Identifiers: Orphanet 140162, MedGen C0027672, MeSH D009386, MONDO:0015356.
Hereditary breast ovarian cancer syndrome. Also called: Hereditary breast and ovarian cancer; Hereditary breast and ovarian cancer syndrome (HBOC); Breast and ovarian cancer; Hereditary breast and ovarian cancer syndrome; Hereditary breast and/or ovarian cancer syndrome; BRCA1- and BRCA2-Associated Hereditary Breast and Ovarian Cancer. Identifiers: Orphanet 145, MedGen C0677776, MeSH D061325, MONDO:0003582. Disease mechanism: loss of function.
Breast-ovarian cancer, familial, susceptibility to, 2 (BROVCA2). Also called: BRCA2 Hereditary Breast and Ovarian Cancer. Identifiers: Orphanet 145, MedGen C2675520, MONDO:0012933, OMIM 612555. Disease mechanism: loss of function.

Allele frequency attached by ClinVar (database versions not stated): gnomAD exomes below 0.00001.
gnomAD v4.1: 1 of 1,613,978 alleles (0.000062%); highest among the groups gnomAD compares: Non-Finnish European, 0.000085%; no homozygotes.

Submissions (5):

Ambry Genetics
Classification: Uncertain significance for Hereditary cancer-predisposing syndrome. Last evaluated: 2024-03-02. Review status: criteria provided, single submitter. Criteria: Ambry Variant Classification Scheme 2023. Collection method: clinical testing. Allele origin: germline.
Comment: The p.N1824H variant (also known as c.5470A>C), located in coding exon 10 of the BRCA2 gene, results from an A to C substitution at nucleotide position 5470. The asparagine at codon 1824 is replaced by histidine, an amino acid with similar properties. This alteration was identified in an individual diagnosed with ovarian cancer (Cunningham JM et al. Sci Rep, 2014 Feb;4:4026). This amino acid position is not well conserved in available vertebrate species. In addition, this alteration is predicted to be tolerated by in silico analysis. Since supporting evidence is limited at this time, the clinical significance of this alteration remains unclear.

All of Us Research Program, National Institutes of Health
Classification: Uncertain significance for Breast-ovarian cancer, familial, susceptibility to, 2. Last evaluated: 2024-02-05. Review status: criteria provided, single submitter. Criteria: ACMG Guidelines, 2015. Collection method: clinical testing. Allele origin: germline. Inheritance: Autosomal dominant inheritance. Observed: 1 variant allele, 1 heterozygote.
Comment: This missense variant replaces asparagine with histidine at codon 1824 of the BRCA2 protein. Computational prediction suggests that this variant may not impact protein structure and function (internally defined REVEL score threshold <= 0.5, PMID: 27666373). To our knowledge, functional studies have not been reported for this variant. This variant has been reported in an individual affected with ovarian cancer (PMID: 24504028). This variant has not been identified in the general population by the Genome Aggregation Database (gnomAD). The available evidence is insufficient to determine the role of this variant in disease conclusively. Therefore, this variant is classified as a Variant of Uncertain Significance.

This study involves interpretation of variants in research participants for the purpose of population health screening. Participant phenotype was not available at the time of variant classification. Additional details can be found in publication PMID: 35346344, PMCID: PMC8962531

Color Diagnostics, LLC DBA Color Health
Classification: Uncertain significance for Hereditary cancer-predisposing syndrome. Last evaluated: 2023-11-22. Review status: criteria provided, single submitter. Criteria: ACMG Guidelines, 2015. Collection method: clinical testing. Allele origin: germline.
Comment: This missense variant replaces asparagine with histidine at codon 1824 of the BRCA2 protein. Computational prediction suggests that this variant may not impact protein structure and function (internally defined REVEL score threshold <= 0.5, PMID: 27666373). To our knowledge, functional studies have not been reported for this variant. This variant has been reported in an individual affected with ovarian cancer (PMID: 24504028). This variant has not been identified in the general population by the Genome Aggregation Database (gnomAD). The available evidence is insufficient to determine the role of this variant in disease conclusively. Therefore, this variant is classified as a Variant of Uncertain Significance.

Labcorp Genetics (formerly Invitae), Labcorp
Classification: Uncertain significance for Hereditary breast ovarian cancer syndrome. Last evaluated: 2023-05-01. Review status: criteria provided, single submitter. Criteria: Invitae Variant Classification Sherloc (09022015). Collection method: clinical testing. Allele origin: germline.
Comment: ClinVar contains an entry for this variant (Variation ID: 1438293). This variant has not been reported in the literature in individuals affected with BRCA2-related conditions. This variant is not present in population databases (gnomAD no frequency). This sequence change replaces asparagine, which is neutral and polar, with histidine, which is basic and polar, at codon 1824 of the BRCA2 protein (p.Asn1824His). Advanced modeling of protein sequence and biophysical properties (such as structural, functional, and spatial information, amino acid conservation, physicochemical variation, residue mobility, and thermodynamic stability) performed at Invitae indicates that this missense variant is not expected to disrupt BRCA2 protein function. In summary, the available evidence is currently insufficient to determine the role of this variant in disease. Therefore, it has been classified as a Variant of Uncertain Significance.

University of Washington Department of Laboratory Medicine, University of Washington
Classification: Likely benign for Hereditary cancer-predisposing syndrome. Last evaluated: 2023-03-23. Review status: criteria provided, single submitter. Criteria: Dines et al. (Genet Med. 2020). Collection method: curation. Allele origin: germline.
Comment: Missense variant in a coldspot region where missense variants are very unlikely to be pathogenic (PMID:31911673).

BRCA2 exon 11 coldspot. Reclassification based on statistical prior probability.

Literature cited by the submitters: PubMed 24504028 (cited by 3 submitters).

NM_000059.4(BRCA2):c.5470A>C (p.Asn1824His)

Gene: BRCA2 (BRCA2 DNA repair associated; plus strand). Cytogenetic location: 13q13.1.
Variant type: single nucleotide variant.
Coding change: c.5470A>C on transcript NM_000059.4 (MANE Select); coding-DNA position 5470, A replaced by C.
Protein change: p.Asn1824His; replaces asparagine 1824 with histidine.
Molecular consequence: missense variant.
Genome position (GRCh38, 1-based): chr13:32,339,825, A>C. VCF-style: chr13-32339825-A-C. GRCh37 (hg19) VCF-style: chr13-32913962-A-C.
Other names: short protein forms N1824H.
Identifiers: ClinVar variation 1438293 (VCV001438293.15), dbSNP rs2137517808, ClinGen allele CA387785674.